The following is an entry in ClinVar:

NM_017841.4(SDHAF2):c.438C>A (p.Asn146Lys)

Gene: SDHAF2 (succinate dehydrogenase complex assembly factor 2; plus strand). Cytogenetic location: 11q12.2.
Variant type: single nucleotide variant.
Coding change: c.438C>A on transcript NM_017841.4 (MANE Select); coding-DNA position 438, C replaced by A.
Protein change: p.Asn146Lys; replaces asparagine 146 with lysine.
Molecular consequence: missense variant.
Genome position (GRCh38, 1-based): chr11:61,446,008, C>A. VCF-style: chr11-61446008-C-A. GRCh37 (hg19) VCF-style: chr11-61213480-C-A.
Other names: short protein forms N146K.
Identifiers: ClinVar variation 3609680 (VCV003609680.2).

ClinVar aggregate classification (germline): Uncertain significance (1 of 4 stars; one submission).

Conditions:
Hereditary pheochromocytoma and paraganglioma. Also called: Hereditary paragangliomas and pheochromocytomas; Hereditary Paraganglioma-Pheochromocytoma Syndromes; Hereditary pheochromocytoma-paraganglioma. Identifiers: Orphanet 29072, MedGen C4274332, MONDO:0017366.

Submission:

Labcorp Genetics (formerly Invitae), Labcorp
Classification: Uncertain significance for Hereditary pheochromocytoma and paraganglioma. Last evaluated: 2024-10-10. Review status: criteria provided, single submitter. Criteria: Invitae Variant Classification Sherloc (09022015). Collection method: clinical testing. Allele origin: germline.
Comment: This sequence change replaces asparagine, which is neutral and polar, with lysine, which is basic and polar, at codon 146 of the SDHAF2 protein (p.Asn146Lys). This variant is not present in population databases (gnomAD no frequency). This missense change has been observed in individual(s) with pheochromocytoma (PMID: 31666924). An algorithm developed to predict the effect of missense changes on protein structure and function (PolyPhen-2) suggests that this variant is likely to be disruptive. In summary, the available evidence is currently insufficient to determine the role of this variant in disease. Therefore, it has been classified as a Variant of Uncertain Significance.

Literature cited by the submitters: PubMed 31666924.